The following is an entry in ClinVar:

ClinVar aggregate classification (germline): Uncertain significance (1 of 4 stars; one submission).

Conditions:
Cardiovascular phenotype. Identifiers: MedGen CN230736.

gnomAD v4.1: 2 of 1,550,386 alleles (0.00013%); highest among the groups gnomAD compares: Non-Finnish European, 0.00017%; no homozygotes.

Submission:

Ambry Genetics
Classification: Uncertain significance for Cardiovascular phenotype. Last evaluated: 2024-10-08. Review status: criteria provided, single submitter. Criteria: Ambry Variant Classification Scheme 2023. Collection method: clinical testing. Allele origin: germline.
Comment: The p.G3764R variant (also known as c.11290G>A), located in coding exon 2 of the ZNF469 gene, results from a G to A substitution at nucleotide position 11290. The glycine at codon 3764 is replaced by arginine, an amino acid with dissimilar properties. This amino acid position is conserved. In addition, this alteration is predicted to be tolerated by in silico analysis. Based on the available evidence, the clinical significance of this variant remains unclear.

NM_001367624.2(ZNF469):c.11374G>A (p.Gly3792Arg)

Gene: ZNF469 (zinc finger protein 469; plus strand). Cytogenetic location: 16q24.2.
Variant type: single nucleotide variant.
Coding change: c.11374G>A on transcript NM_001367624.2 (MANE Select); coding-DNA position 11374, G replaced by A.
Protein change: p.Gly3792Arg; replaces glycine 3792 with arginine.
Molecular consequence: missense variant.
Genome position (GRCh38, 1-based): chr16:88,438,844, G>A. VCF-style: chr16-88438844-G-A. GRCh37 (hg19) VCF-style: chr16-88505252-G-A.
Other names: NM_001127464.1:c.11290G>A; short protein forms G3792R.
Identifiers: ClinVar variation 3476234 (VCV003476234.1).